The following is an entry in ClinVar:

NM_001943.5(DSG2):c.527_533del (p.Thr176fs)

Gene: DSG2 (desmoglein 2; plus strand). Cytogenetic location: 18q12.1.
Variant type: Deletion.
Coding change: c.527_533del on transcript NM_001943.5 (MANE Select); coding-DNA positions 527 to 533, 7 bases deleted (CTCTTGT; older notation c.527_533delCTCTTGT).
Protein change: p.Thr176fs; shifts the reading frame from threonine 176.
Molecular consequence: frameshift variant.
Genome position (GRCh38, 1-based): chr18:31,522,086-31,522,092, CTCTTGT deleted. VCF-style (leftmost placement, unchanged base first): chr18-31522085-ACTCTTGT-A. GRCh37 (hg19) VCF-style: chr18-29102048-ACTCTTGT-A.
Other names: short protein forms T176fs.
Identifiers: ClinVar variation 1427568 (VCV001427568.6), dbSNP rs2144317658, ClinGen allele CA2573155175.

ClinVar aggregate classification (germline): Pathogenic (1 of 4 stars; one submission).

Conditions:
Arrhythmogenic right ventricular dysplasia 10. Also called: Arrhythmogenic Right Ventricular Dysplasia/Cardiomyopathy10; Arrhythmogenic right ventricular dysplasia/cardiomyopathy, type 10; ARRHYTHMOGENIC RIGHT VENTRICULAR DYSPLASIA, FAMILIAL, 10. Identifiers: MedGen C1857777, MONDO:0012434, OMIM 610193.

Submission:

Labcorp Genetics (formerly Invitae), Labcorp
Classification: Pathogenic for Arrhythmogenic right ventricular dysplasia 10. Last evaluated: 2023-05-22. Review status: criteria provided, single submitter. Criteria: Invitae Variant Classification Sherloc (09022015). Collection method: clinical testing. Allele origin: germline.
Comment: For these reasons, this variant has been classified as Pathogenic. Algorithms developed to predict the effect of sequence changes on RNA splicing suggest that this variant may create or strengthen a splice site. ClinVar contains an entry for this variant (Variation ID: 1427568). This variant has not been reported in the literature in individuals affected with DSG2-related conditions. This variant is not present in population databases (gnomAD no frequency). This sequence change creates a premature translational stop signal (p.Thr176Argfs*2) in the DSG2 gene. It is expected to result in an absent or disrupted protein product. Loss-of-function variants in DSG2 are known to be pathogenic (PMID: 17105751, 31386562).

Literature cited by the submitters: PubMed 17105751; PubMed 31386562.